The following is an entry in ClinVar:

NM_024757.5(EHMT1):c.2168C>G (p.Ala723Gly)

Gene: EHMT1 (euchromatic histone lysine methyltransferase 1; plus strand). Cytogenetic location: 9q34.3.
Variant type: single nucleotide variant.
Coding change: c.2168C>G on transcript NM_024757.5 (MANE Select); coding-DNA position 2168, C replaced by G.
Protein change: p.Ala723Gly; replaces alanine 723 with glycine.
Molecular consequence: missense variant.
Genome position (GRCh38, 1-based): chr9:137,778,031, C>G. VCF-style: chr9-137778031-C-G. GRCh37 (hg19) VCF-style: chr9-140672483-C-G.
Other names: c.2168C>G (NM_024757.4); c.2168C>G, p.Ala723Gly (NM_001145527.2); c.2075C>G, p.Ala692Gly (NM_001354259.2); c.2147C>G, p.Ala716Gly (NM_001354263.2); short protein forms A692G, A716G, A723G.
Identifiers: ClinVar variation 3661928 (VCV003661928.3).

ClinVar aggregate classification (germline): Uncertain significance. Review status: criteria provided, multiple submitters, no conflicts (2 of 4 stars). 2 submissions from 2 submitters: Uncertain significance (2). Last evaluated 2025-05-15.

Conditions:
Kleefstra syndrome 1 (KLEFS1). Identifiers: Orphanet 261494, MedGen C0795833, MONDO:0027407, OMIM 610253.

Submissions (2):

GeneDx
Classification: Uncertain significance. Last evaluated: 2025-05-15. Review status: criteria provided, single submitter. Criteria: GeneDx Variant Classification Process June 2021. Collection method: clinical testing. Allele origin: germline. Affected: yes.
Comment: Not observed at significant frequency in large population cohorts (gnomAD); In silico analysis supports that this missense variant has a deleterious effect on protein structure/function; Has not been previously published as pathogenic or benign to our knowledge

Labcorp Genetics (formerly Invitae), Labcorp
Classification: Uncertain significance for Kleefstra syndrome 1. Last evaluated: 2024-08-11. Review status: criteria provided, single submitter. Criteria: Invitae Variant Classification Sherloc (09022015). Collection method: clinical testing. Allele origin: germline.
Comment: This sequence change replaces alanine, which is neutral and non-polar, with glycine, which is neutral and non-polar, at codon 723 of the EHMT1 protein (p.Ala723Gly). This variant is not present in population databases (gnomAD no frequency). This variant has not been reported in the literature in individuals affected with EHMT1-related conditions. Advanced modeling of protein sequence and biophysical properties (such as structural, functional, and spatial information, amino acid conservation, physicochemical variation, residue mobility, and thermodynamic stability) performed at Invitae indicates that this missense variant is not expected to disrupt EHMT1 protein function with a negative predictive value of 80%. In summary, the available evidence is currently insufficient to determine the role of this variant in disease. Therefore, it has been classified as a Variant of Uncertain Significance.